The following is an entry in ClinVar:

ClinVar aggregate classification (germline): Uncertain significance (1 of 4 stars; one submission).

Allele frequency attached by ClinVar (database versions not stated): gnomAD exomes 0.00007; 1000 Genomes Project 30x 0.00031; 1000 Genomes Project 0.00040; TOPMed 0.00001; ExAC 0.00006; gnomAD 0.00007.

Submission:

Labcorp Genetics (formerly Invitae), Labcorp
Classification: Uncertain significance. Last evaluated: 2024-08-05. Review status: criteria provided, single submitter. Criteria: Invitae Variant Classification Sherloc (09022015). Collection method: clinical testing. Allele origin: germline.
Comment: This sequence change replaces proline, which is neutral and non-polar, with leucine, which is neutral and non-polar, at codon 3457 of the FAT4 protein (p.Pro3457Leu). This variant is present in population databases (rs190233104, gnomAD 0.03%). This variant has not been reported in the literature in individuals affected with FAT4-related conditions. ClinVar contains an entry for this variant (Variation ID: 1979736). Advanced modeling of protein sequence and biophysical properties (such as structural, functional, and spatial information, amino acid conservation, physicochemical variation, residue mobility, and thermodynamic stability) performed at Invitae indicates that this missense variant is not expected to disrupt FAT4 protein function with a negative predictive value of 95%. In summary, the available evidence is currently insufficient to determine the role of this variant in disease. Therefore, it has been classified as a Variant of Uncertain Significance.

NM_001291303.3(FAT4):c.10376C>T (p.Pro3459Leu)

Gene: FAT4 (FAT atypical cadherin 4; plus strand). Cytogenetic location: 4q28.1.
Variant type: single nucleotide variant.
Coding change: c.10376C>T on transcript NM_001291303.3 (MANE Select); coding-DNA position 10376, C replaced by T.
Protein change: p.Pro3459Leu; replaces proline 3459 with leucine.
Molecular consequence: missense variant.
Genome position (GRCh38, 1-based): chr4:125,451,386, C>T. VCF-style: chr4-125451386-C-T. GRCh37 (hg19) VCF-style: chr4-126372541-C-T.
Other names: c.10376C>T, p.Pro3459Leu (NM_001291285.3); c.10370C>T, p.Pro3457Leu (NM_024582.6); short protein forms P3457L, P3459L.
Identifiers: ClinVar variation 1979736 (VCV001979736.3), dbSNP rs190233104, ClinGen allele CA3073680.